The following is an entry in ClinVar:

ClinVar aggregate classification (germline): Uncertain significance. Review status: criteria provided, multiple submitters, no conflicts (2 of 4 stars). 2 submissions from 2 submitters: Uncertain significance (2). Last evaluated 2025-04-21.

Conditions:
Charcot-Marie-Tooth disease type 2. Also called: Charcot-Marie-Tooth type 2. Identifiers: Orphanet 64746, MedGen C0270914, MONDO:0018993.

Allele frequency attached by ClinVar (database versions not stated): ExAC 0.00001; gnomAD exomes below 0.00001; ESP Exome Variant Server 0.00008.

Submissions (2):

Ambry Genetics
Classification: Uncertain significance. Last evaluated: 2025-04-21. Review status: criteria provided, single submitter. Criteria: Ambry Variant Classification Scheme 2023. Collection method: clinical testing. Allele origin: germline.
Comment: The p.M1005I variant (also known as c.3015G>A), located in coding exon 27 of the KIF1B gene, results from a G to A substitution at nucleotide position 3015. The methionine at codon 1005 is replaced by isoleucine, an amino acid with highly similar properties. This amino acid position is well conserved in available vertebrate species. In addition, the in silico prediction for this alteration is inconclusive. Since supporting evidence is limited at this time, the clinical significance of this alteration remains unclear.

Labcorp Genetics (formerly Invitae), Labcorp
Classification: Uncertain significance for Charcot-Marie-Tooth disease type 2. Last evaluated: 2022-02-05. Review status: criteria provided, single submitter. Criteria: Invitae Variant Classification Sherloc (09022015). Collection method: clinical testing. Allele origin: germline.
Comment: This sequence change replaces methionine, which is neutral and non-polar, with isoleucine, which is neutral and non-polar, at codon 1005 of the KIF1B protein (p.Met1005Ile). This variant is present in population databases (rs368851581, gnomAD 0.0009%). This variant has not been reported in the literature in individuals affected with KIF1B-related conditions. Algorithms developed to predict the effect of missense changes on protein structure and function (SIFT, PolyPhen-2, Align-GVGD) all suggest that this variant is likely to be tolerated. In summary, the available evidence is currently insufficient to determine the role of this variant in disease. Therefore, it has been classified as a Variant of Uncertain Significance.

NM_001365951.3(KIF1B):c.3153G>A (p.Met1051Ile)

Gene: KIF1B (kinesin family member 1B; plus strand). Cytogenetic location: 1p36.22.
Variant type: single nucleotide variant.
Coding change: c.3153G>A on transcript NM_001365951.3 (MANE Select); coding-DNA position 3153, G replaced by A.
Protein change: p.Met1051Ile; replaces methionine 1051 with isoleucine.
Molecular consequence: missense variant.
Genome position (GRCh38, 1-based): chr1:10,337,097, G>A. VCF-style: chr1-10337097-G-A. GRCh37 (hg19) VCF-style: chr1-10397155-G-A.
Other names: c.3153G>A, p.Met1051Ile (NM_001365952.1); c.3015G>A, p.Met1005Ile (NM_015074.3); short protein forms M1005I, M1051I.
Identifiers: ClinVar variation 1522675 (VCV001522675.11), dbSNP rs368851581, ClinGen allele CA581730.
Genomic context (GRCh38, chr1:10,337,097, plus strand): 5'-CTACTTTACCATGTATCTGCCCCTGCCTTTTTTTCAGAGTGACTTTTCGTCTGTTGCAAT[G>A]ACTCGTTCTGGTCTGTCCTTGGAGGAGTTGAGGATTGTGGAAGGACAGGGTCAGAGTTCT-3'
Protein context (NP_001352880.1, residues 1041-1061): FNQSDFSSVA[Met1051Ile]TRSGLSLEEL